The following is an entry in ClinVar:

ClinVar aggregate classification (germline): Uncertain significance. Review status: criteria provided, multiple submitters, no conflicts (2 of 4 stars). 3 submissions from 3 submitters: Uncertain significance (3). Last evaluated 2024-01-13.

Conditions:
Hereditary cancer-predisposing syndrome. Also called: Tumor predisposition; Neoplastic Syndromes, Hereditary; Hereditary Cancer Syndrome; Hereditary neoplastic syndrome. Identifiers: Orphanet 140162, MedGen C0027672, MeSH D009386, MONDO:0015356.
Neuroblastoma, susceptibility to, 3. Also called: ALK-Related Neuroblastic Tumor Susceptibility. Identifiers: Orphanet 635, MedGen C2751681, MONDO:0013083, OMIM 613014.

Submissions (3):

Labcorp Genetics (formerly Invitae), Labcorp
Classification: Uncertain significance for Neuroblastoma, susceptibility to, 3. Last evaluated: 2024-01-13. Review status: criteria provided, single submitter. Criteria: Invitae Variant Classification Sherloc (09022015). Collection method: clinical testing. Allele origin: germline.
Comment: This sequence change replaces proline, which is neutral and non-polar, with alanine, which is neutral and non-polar, at codon 1213 of the ALK protein (p.Pro1213Ala). This variant is not present in population databases (gnomAD no frequency). This variant has not been reported in the literature in individuals affected with ALK-related conditions. An algorithm developed to predict the effect of missense changes on protein structure and function (PolyPhen-2) suggests that this variant is likely to be disruptive. In summary, the available evidence is currently insufficient to determine the role of this variant in disease. Therefore, it has been classified as a Variant of Uncertain Significance.

Ambry Genetics
Classification: Uncertain significance for Hereditary cancer-predisposing syndrome. Last evaluated: 2023-11-15. Review status: criteria provided, single submitter. Criteria: Ambry Variant Classification Scheme 2023. Collection method: clinical testing. Allele origin: germline.
Comment: The p.P1213A variant (also known as c.3637C>G), located in coding exon 23 of the ALK gene, results from a C to G substitution at nucleotide position 3637. The proline at codon 1213 is replaced by alanine, an amino acid with highly similar properties. This amino acid position is conserved. In addition, the in silico prediction for this alteration is inconclusive. Since supporting evidence is limited at this time, the clinical significance of this alteration remains unclear.

Baylor Genetics
Classification: Uncertain significance for Neuroblastoma, susceptibility to, 3. Last evaluated: 2023-07-24. Review status: criteria provided, single submitter. Criteria: ACMG Guidelines, 2015. Collection method: clinical testing. Allele origin: unknown.

NM_004304.5(ALK):c.3637C>G (p.Pro1213Ala)

Gene: ALK (ALK receptor tyrosine kinase; minus strand). Cytogenetic location: 2p23.2.
Variant type: single nucleotide variant.
Coding change: c.3637C>G on transcript NM_004304.5 (MANE Select); coding-DNA position 3637, C replaced by G.
Protein change: p.Pro1213Ala; replaces proline 1213 with alanine.
Molecular consequence: missense variant.
Genome position (GRCh38, 1-based): chr2:29,220,714, G>C on the plus strand (C>G on the coding strand, the complement: ALK is on the minus strand). VCF-style: chr2-29220714-G-C. GRCh37 (hg19) VCF-style: chr2-29443580-G-C.
Other names: c.433C>G, p.Pro145Ala (NM_001353765.2); c.3637C>G (NM_004304.4); short protein forms P1213A, P145A.
Identifiers: ClinVar variation 2676106 (VCV002676106.5), dbSNP rs2148166304, ClinGen allele CA346472963.